The following is an entry in ClinVar:

ClinVar aggregate classification (germline): Likely benign (1 of 4 stars; one submission).

Conditions:
NPC2-related disorder. Also called: NPC2-related condition.

gnomAD v4.1: 1 of 1,612,794 alleles (0.000062%); highest among the groups gnomAD compares: Non-Finnish European, 0.000085%; no homozygotes.

Submission:

PreventionGenetics, part of Exact Sciences
Classification: Likely benign for NPC2-related condition. Last evaluated: 2026-08-02. Review status: criteria provided, single submitter. Criteria: ACMG Guidelines, 2015. Collection method: clinical testing. Allele origin: germline.
Comment: This variant is classified as likely benign based on ACMG/AMP sequence variant interpretation guidelines (Richards et al. 2015 PMID: 25741868, with internal and published modifications).

NM_006432.5(NPC2):c.-5C>G

Gene: NPC2 (NPC intracellular cholesterol transporter 2; minus strand). Cytogenetic location: 14q24.3.
Variant type: single nucleotide variant.
Coding change: c.-5C>G on transcript NM_006432.5 (MANE Select); 5 bases upstream of the start codon, C replaced by G.
Molecular consequence: 5 prime UTR variant.
Genome position (GRCh38, 1-based): chr14:74,493,279, G>C on the plus strand (C>G on the coding strand, the complement: NPC2 is on the minus strand). VCF-style: chr14-74493279-G-C. GRCh37 (hg19) VCF-style: chr14-74959982-G-C.
Other names: c.-5C>G (NM_001363688.1, NM_001375440.1).
Identifiers: ClinVar variation 4985607 (VCV004985607.1).